The following is an entry in ClinVar:

NM_152743.4(BRAT1):c.1811C>T (p.Ser604Leu)

Gene: BRAT1 (BRCA1 associated ATM activator 1; minus strand). Cytogenetic location: 7p22.3.
Variant type: single nucleotide variant.
Coding change: c.1811C>T on transcript NM_152743.4 (MANE Select); coding-DNA position 1811, C replaced by T.
Protein change: p.Ser604Leu; replaces serine 604 with leucine.
Molecular consequence: missense variant. On other transcripts: non-coding transcript variant (1).
Genome position (GRCh38, 1-based): chr7:2,538,724, G>A on the plus strand (C>T on the coding strand, the complement: BRAT1 is on the minus strand). VCF-style: chr7-2538724-G-A. GRCh37 (hg19) VCF-style: chr7-2578358-G-A.
Other names: c.1991C>T, p.Ser664Leu (NM_001350626.2); c.1286C>T, p.Ser429Leu (NM_001350627.2); short protein forms S604L, S429L, S664L.
Identifiers: ClinVar variation 968687 (VCV000968687.9), dbSNP rs764013096, ClinGen allele CA4127551.

ClinVar aggregate classification (germline): Uncertain significance (1 of 4 stars; one submission).

Conditions:
Neonatal-onset encephalopathy with rigidity and seizures. Also called: Lethal neonatal spasticity-epileptic encephalopathy syndrome. Identifiers: Orphanet 435845, MedGen C3281029, MONDO:0013784, OMIM 614498.

Allele frequency attached by ClinVar (database versions not stated): ExAC 0.00002; gnomAD exomes 0.00002.
gnomAD v4.1: 13 of 1,598,442 alleles (0.00081%); highest among the groups gnomAD compares: East Asian, 0.0089%; no homozygotes.

Submission:

Labcorp Genetics (formerly Invitae), Labcorp
Classification: Uncertain significance for Neonatal-onset encephalopathy with rigidity and seizures. Last evaluated: 2022-12-06. Review status: criteria provided, single submitter. Criteria: Invitae Variant Classification Sherloc (09022015). Collection method: clinical testing. Allele origin: germline.
Comment: Advanced modeling of protein sequence and biophysical properties (such as structural, functional, and spatial information, amino acid conservation, physicochemical variation, residue mobility, and thermodynamic stability) performed at Invitae indicates that this missense variant is expected to disrupt BRAT1 protein function. ClinVar contains an entry for this variant (Variation ID: 968687). This variant has not been reported in the literature in individuals affected with BRAT1-related conditions. This variant is present in population databases (rs764013096, gnomAD 0.007%). This sequence change replaces serine, which is neutral and polar, with leucine, which is neutral and non-polar, at codon 604 of the BRAT1 protein (p.Ser604Leu). In summary, the available evidence is currently insufficient to determine the role of this variant in disease. Therefore, it has been classified as a Variant of Uncertain Significance.